The following is an entry in ClinVar:

NM_006306.4(SMC1A):c.3224A>G (p.Glu1075Gly)

Gene: SMC1A (structural maintenance of chromosomes 1A; minus strand). Cytogenetic location: Xp11.22.
Variant type: single nucleotide variant.
Coding change: c.3224A>G on transcript NM_006306.4 (MANE Select); coding-DNA position 3224, A replaced by G.
Protein change: p.Glu1075Gly; replaces glutamic acid 1075 with glycine.
Molecular consequence: missense variant.
Genome position (GRCh38, 1-based): chrX:53,382,567, T>C on the plus strand (A>G on the coding strand, the complement: SMC1A is on the minus strand). VCF-style: chrX-53382567-T-C. GRCh37 (hg19) VCF-style: chrX-53409488-T-C.
Other names: c.3158A>G, p.Glu1053Gly (NM_001281463.1); short protein forms E1053G, E1075G.
Identifiers: ClinVar variation 451463 (VCV000451463.2), dbSNP rs1556886027, ClinGen allele CA413244153.

ClinVar aggregate classification (germline): Uncertain significance (1 of 4 stars; one submission).

Submission:

GeneDx
Classification: Uncertain significance. Last evaluated: 2017-08-31. Review status: criteria provided, single submitter. Criteria: GeneDx Variant Classification (06012015). Collection method: clinical testing. Allele origin: germline. Affected: yes.
Comment: The E1075G variant in the SMC1A gene has not been reported previously as a pathogenic variant, nor as a benign variant, to our knowledge. This variant is not observed in large population cohorts (Lek et al., 2016; 1000 Genomes Consortium et al., 2015; Exome Variant Server). The E1075G variant is a non-conservative amino acid substitution, which is likely to impact secondary protein structure as these residues differ in polarity, charge, size and/or other properties. This substitution occurs at a position that is conserved across species. In silico analysis predicts this variant is probably damaging to the protein structure/function. We interpret E1075G as a variant of uncertain significance.